The following is an entry in ClinVar:

NM_000038.6(APC):c.1051G>A (p.Gly351Arg)

Gene: APC (APC regulator of Wnt signaling pathway; plus strand). Cytogenetic location: 5q22.2.
Variant type: single nucleotide variant.
Coding change: c.1051G>A on transcript NM_000038.6 (MANE Select); coding-DNA position 1051, G replaced by A.
Protein change: p.Gly351Arg; replaces glycine 351 with arginine.
Molecular consequence: missense variant. On other transcripts: intron variant (4).
Genome position (GRCh38, 1-based): chr5:112,819,083, G>A. VCF-style: chr5-112819083-G-A. GRCh37 (hg19) VCF-style: chr5-112154780-G-A.
Other names: c.1051G>A, p.Gly351Arg (NM_001127510.3, NM_001354895.2, NM_001354896.2 and 4 more transcripts); c.997G>A, p.Gly333Arg (NM_001127511.3); c.1081G>A, p.Gly361Arg (NM_001354897.2, NM_001407446.1); c.976G>A, p.Gly326Arg (NM_001354898.2, NM_001407451.1); c.967G>A, p.Gly323Arg (NM_001354899.2, NM_001407452.1); c.874G>A, p.Gly292Arg (NM_001354900.2, NM_001354901.2, NM_001407453.1); c.202G>A, p.Gly68Arg (NM_001354906.2, NM_001407470.1); c.964-186G>A (NM_001354902.2); and 3 more; short protein forms G326R, G292R, G323R, G333R, G351R, G361R, G68R.
Identifiers: ClinVar variation 1777321 (VCV001777321.5), dbSNP rs2149780462, ClinGen allele CA16023611.

ClinVar aggregate classification (germline): Uncertain significance. Review status: criteria provided, multiple submitters, no conflicts (2 of 4 stars). 2 submissions from 2 submitters: Uncertain significance (2). Last evaluated 2023-07-25.

Conditions:
Hereditary cancer-predisposing syndrome. Also called: Neoplastic Syndromes, Hereditary; Tumor predisposition; Hereditary Cancer Syndrome; Hereditary neoplastic syndrome. Identifiers: Orphanet 140162, MedGen C0027672, MeSH D009386, MONDO:0015356.
Familial adenomatous polyposis 1 (FAP1). Also called: FAMILIAL ADENOMATOUS POLYPOSIS 1, ATTENUATED; POLYPOSIS, ADENOMATOUS INTESTINAL. Identifiers: MedGen C2713442, MONDO:0021056, OMIM 175100. Disease mechanism: loss of function.

Submissions (2):

Labcorp Genetics (formerly Invitae), Labcorp
Classification: Uncertain significance for Familial adenomatous polyposis 1. Last evaluated: 2023-07-25. Review status: criteria provided, single submitter. Criteria: Invitae Variant Classification Sherloc (09022015). Collection method: clinical testing. Allele origin: germline.
Comment: In summary, the available evidence is currently insufficient to determine the role of this variant in disease. Therefore, it has been classified as a Variant of Uncertain Significance. Advanced modeling of protein sequence and biophysical properties (such as structural, functional, and spatial information, amino acid conservation, physicochemical variation, residue mobility, and thermodynamic stability) performed at Invitae indicates that this missense variant is not expected to disrupt APC protein function. ClinVar contains an entry for this variant (Variation ID: 1777321). This variant has not been reported in the literature in individuals affected with APC-related conditions. This variant is not present in population databases (gnomAD no frequency). This sequence change replaces glycine, which is neutral and non-polar, with arginine, which is basic and polar, at codon 351 of the APC protein (p.Gly351Arg).

Ambry Genetics
Classification: Uncertain significance for Hereditary cancer-predisposing syndrome. Last evaluated: 2021-10-13. Review status: criteria provided, single submitter. Criteria: Ambry Variant Classification Scheme 2023. Collection method: clinical testing. Allele origin: germline.
Comment: The p.G351R variant (also known as c.1051G>A), located in coding exon 9 of the APC gene, results from a G to A substitution at nucleotide position 1051. The glycine at codon 351 is replaced by arginine, an amino acid with dissimilar properties. This amino acid position is highly conserved in available vertebrate species. In addition, in silico predictors for this gene do not accurately predict pathogenicity. Since supporting evidence is limited at this time, the clinical significance of this alteration remains unclear.